The following is an entry in ClinVar:

ClinVar aggregate classification (germline): Likely benign. Review status: criteria provided, single submitter (1 of 4 stars). 2 submissions from 2 submitters: Likely benign (1). 1 of the submissions does not count toward it. Last evaluated 2026-01-26.

Conditions:
CDAN1-related disorder. Also called: CDAN1-related condition.

Allele frequency attached by ClinVar (database versions not stated): gnomAD 0.00003; TOPMed 0.00008; gnomAD exomes 0.00009; ExAC 0.00011.

Submissions (2):

Labcorp Genetics (formerly Invitae), Labcorp
Classification: Likely benign. Last evaluated: 2026-01-26. Review status: criteria provided, single submitter. Criteria: Invitae Variant Classification Sherloc (09022015). Collection method: clinical testing. Allele origin: germline.

PreventionGenetics, part of Exact Sciences
Classification: Likely benign for CDAN1-related condition. Last evaluated: 2019-03-22. Review status: no assertion criteria provided. Collection method: clinical testing. Allele origin: germline. Not counted in ClinVar's aggregate classification.
Comment: This variant is classified as likely benign based on ACMG/AMP sequence variant interpretation guidelines (Richards et al. 2015 PMID: 25741868, with internal and published modifications).

NM_138477.4(CDAN1):c.912T>C (p.Leu304=)

Gene: CDAN1 (codanin 1; minus strand). Cytogenetic location: 15q15.2.
Variant type: single nucleotide variant.
Coding change: c.912T>C on transcript NM_138477.4 (MANE Select); coding-DNA position 912, T replaced by C.
Protein change: p.Leu304=; no amino-acid change (leucine 304 retained).
Molecular consequence: synonymous variant.
Genome position (GRCh38, 1-based): chr15:42,735,541, A>G on the plus strand (T>C on the coding strand, the complement: CDAN1 is on the minus strand). VCF-style: chr15-42735541-A-G. GRCh37 (hg19) VCF-style: chr15-43027739-A-G.
Other names: c.912T>C (NM_138477.2).
Identifiers: ClinVar variation 2064961 (VCV002064961.6), dbSNP rs760745152, ClinGen allele CA7516243.